The following is an entry in ClinVar:

ClinVar aggregate classification (germline): Uncertain significance. Review status: criteria provided, multiple submitters, no conflicts (2 of 4 stars). 2 submissions from 2 submitters: Uncertain significance (2). Last evaluated 2025-01-28.

Conditions:
Progressive sclerosing poliodystrophy (MTDPS4A). Also called: Mitochondrial DNA depletion syndrome 4A (Alpers type); Alpers Syndrome; ALPERS DIFFUSE DEGENERATION OF CEREBRAL GRAY MATTER WITH HEPATIC CIRRHOSIS; Alpers-Huttenlocher Syndrome; ALPERS PROGRESSIVE INFANTILE POLIODYSTROPHY; NEURONAL DEGENERATION OF CHILDHOOD WITH LIVER DISEASE, PROGRESSIVE. Identifiers: Orphanet 726, MedGen C0205710, MONDO:0008758, OMIM 203700.

Submissions (2):

Women's Health and Genetics/Laboratory Corporation of America, LabCorp
Classification: Uncertain significance. Last evaluated: 2025-01-28. Review status: criteria provided, single submitter. Criteria: LabCorp Variant Classification Summary - May 2015. Collection method: clinical testing. Allele origin: germline.
Comment: Variant summary: POLG c.2245T>G (p.Phe749Val) results in a non-conservative amino acid change located in the DNA/RNA polymerases domain (IPR043502) of the encoded protein sequence. Five of five in-silico tools predict a damaging effect of the variant on protein function. The variant was absent in 251288 control chromosomes. c.2245T>G has been reported in the literature in compound heterozygous individuals affected with autosomal recessive progressive external ophthalmoplegia or a multisystem mitochondrial myopathy (e.g. Beecher_2024, Hou_2022, Zhao_2024). These data indicate that the variant may be associated with disease. To our knowledge, no experimental evidence demonstrating an impact on protein function has been reported. The following publications have been ascertained in the context of this evaluation (PMID: 38434220, 35289132, 39118480). ClinVar contains an entry for this variant (Variation ID: 2134648). Based on the evidence outlined above, the variant was classified as VUS-possibly pathogenic.

Labcorp Genetics (formerly Invitae), Labcorp
Classification: Uncertain significance for Progressive sclerosing poliodystrophy. Last evaluated: 2022-05-06. Review status: criteria provided, single submitter. Criteria: Invitae Variant Classification Sherloc (09022015). Collection method: clinical testing. Allele origin: germline.
Comment: In summary, the available evidence is currently insufficient to determine the role of this variant in disease. Therefore, it has been classified as a Variant of Uncertain Significance. Algorithms developed to predict the effect of missense changes on protein structure and function are either unavailable or do not agree on the potential impact of this missense change (SIFT: "Deleterious"; PolyPhen-2: "Probably Damaging"; Align-GVGD: "Class C0"). This variant has not been reported in the literature in individuals affected with POLG-related conditions. This variant is not present in population databases (gnomAD no frequency). This sequence change replaces phenylalanine, which is neutral and non-polar, with valine, which is neutral and non-polar, at codon 749 of the POLG protein (p.Phe749Val).

Literature cited by the submitters: PubMed 35289132 (cited by Women's Health and Genetics/Laboratory Corporation of America, LabCorp); PubMed 39118480 (cited by Women's Health and Genetics/Laboratory Corporation of America, LabCorp); PubMed 38434220 (cited by Women's Health and Genetics/Laboratory Corporation of America, LabCorp).

NM_002693.3(POLG):c.2245T>G (p.Phe749Val)

Gene: POLG (DNA polymerase gamma, catalytic subunit; minus strand). Cytogenetic location: 15q26.1.
Variant type: single nucleotide variant.
Coding change: c.2245T>G on transcript NM_002693.3 (MANE Select); coding-DNA position 2245, T replaced by G.
Protein change: p.Phe749Val; replaces phenylalanine 749 with valine.
Molecular consequence: missense variant.
Genome position (GRCh38, 1-based): chr15:89,323,424, A>C on the plus strand (T>G on the coding strand, the complement: POLG is on the minus strand). VCF-style: chr15-89323424-A-C. GRCh37 (hg19) VCF-style: chr15-89866655-A-C.
Other names: c.2245T>G, p.Phe749Val (NM_001126131.2); short protein forms F749V.
Identifiers: ClinVar variation 2134648 (VCV002134648.6), dbSNP rs2509229962, ClinGen allele CA393756664.